The following is an entry in ClinVar:

NM_021930.6(RINT1):c.1836C>A (p.Asp612Glu)

Gene: RINT1 (RAD50 interactor 1; plus strand). Cytogenetic location: 7q22.3.
Variant type: single nucleotide variant.
Coding change: c.1836C>A on transcript NM_021930.6 (MANE Select); coding-DNA position 1836, C replaced by A.
Protein change: p.Asp612Glu; replaces aspartic acid 612 with glutamic acid.
Molecular consequence: missense variant. On other transcripts: non-coding transcript variant (1).
Genome position (GRCh38, 1-based): chr7:105,563,897, C>A. VCF-style: chr7-105563897-C-A. GRCh37 (hg19) VCF-style: chr7-105204344-C-A.
Other names: c.1602C>A, p.Asp534Glu (NM_001346599.2); c.813C>A, p.Asp271Glu (NM_001346600.2, NM_001346603.2); c.912C>A, p.Asp304Glu (NM_001346601.2); short protein forms D271E, D304E, D612E, D534E.
Identifiers: ClinVar variation 3314458 (VCV003314458.1).
Genomic context (GRCh38, chr7:105,563,897, plus strand): 5'-TGATGACATGATTAACCTCTTAGAACGTTTAAAGCATGATATGTTGACCCGTCAAGTAGA[C>A]CACGTTTTTAGAGAAGTTAAAGATGCTGCAAAATTGTATAAAAAAGAAAGGTATGTCCTC-3'
Protein context (NP_068749.3, residues 602-622): LKHDMLTRQV[Asp612Glu]HVFREVKDAA

ClinVar aggregate classification (germline): Uncertain significance (1 of 4 stars; one submission).

gnomAD v4.1: 1 of 1,614,004 alleles (0.000062%); highest among the groups gnomAD compares: Non-Finnish European, 0.000085%; no homozygotes.

Submission:

Ambry Genetics
Classification: Uncertain significance. Last evaluated: 2024-04-25. Review status: criteria provided, single submitter. Criteria: Ambry Variant Classification Scheme 2023. Collection method: clinical testing. Allele origin: germline.
Comment: The p.D612E variant (also known as c.1836C>A), located in coding exon 12 of the RINT1 gene, results from a C to A substitution at nucleotide position 1836. The aspartic acid at codon 612 is replaced by glutamic acid, an amino acid with highly similar properties. This amino acid position is conserved. In addition, this alteration is predicted to be tolerated by in silico analysis. Based on the available evidence, the clinical significance of this variant remains unclear.